The following is an entry in ClinVar:

NM_015295.3(SMCHD1):c.3527_3528inv (p.Thr1176Met)

Gene: SMCHD1 (structural maintenance of chromosomes flexible hinge domain containing 1; plus strand). Cytogenetic location: 18p11.32.
Variant type: Inversion.
Coding change: c.3527_3528inv on transcript NM_015295.3 (MANE Select).
Protein change: p.Thr1176Met; replaces threonine 1176 with methionine.
Molecular consequence: missense variant.
Genome position: GRCh38 VCF-style: chr18-2740715-CA-TG. GRCh37 (hg19) VCF-style: chr18-2740713-CA-TG.
Other names: c.3527_3528delinsTG (NM_015295.2); short protein forms T1176M.
Identifiers: ClinVar variation 282094 (VCV000282094.44), ClinGen allele CA10604068.

ClinVar aggregate classification (germline): Uncertain significance. Review status: criteria provided, multiple submitters, no conflicts (2 of 4 stars). 4 submissions from 4 submitters: Uncertain significance (4). Last evaluated 2025-12-15.

Conditions:
Arrhinia with choanal atresia and microphthalmia syndrome. Also called: ARHINIA, CHOANAL ATRESIA, MICROPHTHALMIA, AND HYPOGONADOTROPIC HYPOGONADISM; Arrhinia-choanal atresia-microphthalmia syndrome; Arhinia, choanal atresia, and microphthalmia. Identifiers: Orphanet 1135, Orphanet 2250, MedGen C1863878, MONDO:0011323, OMIM 603457.
Facioscapulohumeral muscular dystrophy 2 (FSHD2). Also called: FACIOSCAPULOHUMERAL MUSCULAR DYSTROPHY 2, DIGENIC; FSHD2, DIGENIC; MUSCULAR DYSTROPHY, FACIOSCAPULOHUMERAL, TYPE 1B. Identifiers: Orphanet 269, MedGen C1834671, MONDO:0008031, OMIM 158901.

Submissions (4):

Labcorp Genetics (formerly Invitae), Labcorp
Classification: Uncertain significance for Facioscapulohumeral muscular dystrophy 2. Last evaluated: 2025-12-15. Review status: criteria provided, single submitter. Criteria: Invitae Variant Classification Sherloc (09022015). Collection method: clinical testing. Allele origin: germline.
Comment: This sequence change replaces threonine, which is neutral and polar, with methionine, which is neutral and non-polar, at codon 1176 of the SMCHD1 protein (p.Thr1176Met). This variant is present in population databases (no rsID available, gnomAD 0.03%). This variant has not been reported in the literature in individuals affected with SMCHD1-related conditions. ClinVar contains an entry for this variant (Variation ID: 282094). An algorithm developed to predict the effect of missense changes on protein structure and function (PolyPhen-2) suggests that this variant is likely to be disruptive. In summary, the available evidence is currently insufficient to determine the role of this variant in disease. Therefore, it has been classified as a Variant of Uncertain Significance.

Fulgent Genetics
Classification: Uncertain significance for Facioscapulohumeral muscular dystrophy 2; Arrhinia with choanal atresia and microphthalmia syndrome. Last evaluated: 2022-01-06. Review status: criteria provided, single submitter. Criteria: ACMG Guidelines, 2015. Collection method: clinical testing. Allele origin: unknown.

CeGaT Center for Human Genetics Tuebingen
Classification: Uncertain significance. Last evaluated: 2018-09-01. Review status: criteria provided, single submitter. Criteria: CeGaT Center For Human Genetics Tuebingen Variant Classification Criteria Version 2. Collection method: clinical testing. Allele origin: germline. Affected: yes. Observed: 1 variant allele.

Eurofins Ntd Llc (ga)
Classification: Uncertain significance. Last evaluated: 2016-06-14. Review status: criteria provided, single submitter. Criteria: EGL Classification Definitions 2015. Collection method: clinical testing. Allele origin: germline. Observed: 2 variant alleles, 2 heterozygotes.